The following is an entry in ClinVar:

ClinVar aggregate classification (germline): Uncertain significance. Review status: criteria provided, multiple submitters, no conflicts (2 of 4 stars). 2 submissions from 2 submitters: Uncertain significance (2). Last evaluated 2024-12-20.

Conditions:
Hereditary cancer-predisposing syndrome. Also called: Hereditary neoplastic syndrome; Neoplastic Syndromes, Hereditary; Tumor predisposition; Hereditary Cancer Syndrome. Identifiers: Orphanet 140162, MedGen C0027672, MeSH D009386, MONDO:0015356.
Hereditary breast ovarian cancer syndrome. Also called: BRCA1- and BRCA2-Associated Hereditary Breast and Ovarian Cancer; Hereditary breast and ovarian cancer; Hereditary breast and/or ovarian cancer syndrome; Hereditary breast and ovarian cancer syndrome (HBOC); Breast and ovarian cancer; Hereditary breast and ovarian cancer syndrome. Identifiers: Orphanet 145, MedGen C0677776, MeSH D061325, MONDO:0003582. Disease mechanism: loss of function.

Allele frequency attached by ClinVar (database versions not stated): gnomAD exomes below 0.00001.

Submissions (2):

Labcorp Genetics (formerly Invitae), Labcorp
Classification: Uncertain significance for Hereditary breast ovarian cancer syndrome. Last evaluated: 2024-12-20. Review status: criteria provided, single submitter. Criteria: Invitae Variant Classification Sherloc (09022015). Collection method: clinical testing. Allele origin: germline.
Comment: This sequence change replaces lysine, which is basic and polar, with threonine, which is neutral and polar, at codon 193 of the BRCA1 protein (p.Lys193Thr). This variant is present in population databases (no rsID available, gnomAD 0.0009%). This variant has not been reported in the literature in individuals affected with BRCA1-related conditions. ClinVar contains an entry for this variant (Variation ID: 1510971). Invitae Evidence Modeling of protein sequence and biophysical properties (such as structural, functional, and spatial information, amino acid conservation, physicochemical variation, residue mobility, and thermodynamic stability) indicates that this missense variant is expected to disrupt BRCA1 protein function with a positive predictive value of 80%. In summary, the available evidence is currently insufficient to determine the role of this variant in disease. Therefore, it has been classified as a Variant of Uncertain Significance.

Ambry Genetics
Classification: Uncertain significance for Hereditary cancer-predisposing syndrome. Last evaluated: 2024-02-16. Review status: criteria provided, single submitter. Criteria: Ambry Variant Classification Scheme 2023. Collection method: clinical testing. Allele origin: germline.
Comment: The p.K193T variant (also known as c.578A>C), located in coding exon 7 of the BRCA1 gene, results from an A to C substitution at nucleotide position 578. The lysine at codon 193 is replaced by threonine, an amino acid with similar properties. This amino acid position is well conserved in available vertebrate species. In addition, this alteration is predicted to be deleterious by in silico analysis. Based on the available evidence, the clinical significance of this alteration remains unclear.

NM_007294.4(BRCA1):c.578A>C (p.Lys193Thr)

Gene: BRCA1 (BRCA1 DNA repair associated; minus strand). Cytogenetic location: 17q21.31.
Variant type: single nucleotide variant.
Coding change: c.578A>C on transcript NM_007294.4 (MANE Select); coding-DNA position 578, A replaced by C.
Protein change: p.Lys193Thr; replaces lysine 193 with threonine.
Molecular consequence: missense variant. On other transcripts: non-coding transcript variant (1).
Genome position (GRCh38, 1-based): chr17:43,097,259, T>G on the plus strand (A>C on the coding strand, the complement: BRCA1 is on the minus strand). VCF-style: chr17-43097259-T-G. GRCh37 (hg19) VCF-style: chr17-41249276-T-G.
Other names: c.365A>C, p.Lys122Thr (NM_001407571.1, NM_001407853.1, NM_001407894.1 and 12 more transcripts); c.578A>C, p.Lys193Thr (NM_001407581.1, NM_001407582.1, NM_001407583.1 and 59 more transcripts); c.575A>C, p.Lys192Thr (NM_001407587.1, NM_001407590.1, NM_001407591.1 and 41 more transcripts); c.569A>C, p.Lys190Thr (NM_001407646.1, NM_001407647.1, NM_001408408.1); c.500A>C, p.Lys167Thr (NM_001407653.1, NM_001407654.1, NM_001407655.1 and 9 more transcripts); c.497A>C, p.Lys166Thr (NM_001407659.1, NM_001407660.1, NM_001407661.1 and 3 more transcripts); c.437A>C, p.Lys146Thr (NM_001407692.1, NM_001407694.1, NM_001407695.1 and 43 more transcripts); c.434A>C, p.Lys145Thr (NM_001407740.1, NM_001407741.1, NM_001407742.1 and 26 more transcripts); and 4 more; short protein forms K193T, K146T, K122T, K166T, K65T, K123T, K145T, K190T.
Identifiers: ClinVar variation 1510971 (VCV001510971.10), dbSNP rs1420901970, ClinGen allele CA10600969.